The following is an entry in ClinVar:

NM_001195305.3(BBIP1):c.38-13T>C

Gene: BBIP1 (BBSome interacting protein 1; minus strand). Cytogenetic location: 10q25.2.
Variant type: single nucleotide variant.
Coding change: c.38-13T>C on transcript NM_001195305.3 (MANE Select); 13 bases into the intron before coding-DNA position 38, T replaced by C.
Molecular consequence: intron variant.
Genome position (GRCh38, 1-based): chr10:110,901,625, A>G on the plus strand (T>C on the coding strand, the complement: BBIP1 is on the minus strand). VCF-style: chr10-110901625-A-G. GRCh37 (hg19) VCF-style: chr10-112661383-A-G.
Other names: c.38-13T>C (NM_001195306.2); c.-29-13T>C (NM_001243783.3); c.38-1099T>C (NM_001195307.2); c.195-13T>C (NM_001195304.2).
Identifiers: ClinVar variation 2123663 (VCV002123663.4), dbSNP rs1322386791, ClinGen allele CA659836885.

ClinVar aggregate classification (germline): Uncertain significance (1 of 4 stars; one submission).

Allele frequency attached by ClinVar (database versions not stated): TOPMed below 0.00001.

Submission:

Labcorp Genetics (formerly Invitae), Labcorp
Classification: Uncertain significance. Last evaluated: 2024-07-15. Review status: criteria provided, single submitter. Criteria: Invitae Variant Classification Sherloc (09022015). Collection method: clinical testing. Allele origin: germline.
Comment: This sequence change falls in intron 2 of the BBIP1 gene. It does not directly change the encoded amino acid sequence of the BBIP1 protein. This variant is not present in population databases (gnomAD no frequency). This variant has not been reported in the literature in individuals affected with BBIP1-related conditions. ClinVar contains an entry for this variant (Variation ID: 2123663). Algorithms developed to predict the effect of sequence changes on RNA splicing suggest that this variant may disrupt the consensus splice site. In summary, the available evidence is currently insufficient to determine the role of this variant in disease. Therefore, it has been classified as a Variant of Uncertain Significance.